The following is an entry in ClinVar:

ClinVar aggregate classification (germline): Uncertain significance (1 of 4 stars; one submission).

Submission:

Labcorp Genetics (formerly Invitae), Labcorp
Classification: Uncertain significance. Last evaluated: 2022-02-18. Review status: criteria provided, single submitter. Criteria: Invitae Variant Classification Sherloc (09022015). Collection method: clinical testing. Allele origin: germline.
Comment: This sequence change affects codon 1580 of the CCDC88A mRNA. It is a 'silent' change, meaning that it does not change the encoded amino acid sequence of the CCDC88A protein. It affects a nucleotide within the consensus splice site. This variant is not present in population databases (gnomAD no frequency). This variant has not been reported in the literature in individuals affected with CCDC88A-related conditions. Algorithms developed to predict the effect of sequence changes on RNA splicing suggest that this variant is not likely to affect RNA splicing. In summary, the available evidence is currently insufficient to determine the role of this variant in disease. Therefore, it has been classified as a Variant of Uncertain Significance.

NM_001365480.1(CCDC88A):c.4743T>C (p.His1581=)

Gene: CCDC88A (coiled-coil and HOOK domain protein 88A; minus strand). Cytogenetic location: 2p16.1.
Variant type: single nucleotide variant.
Coding change: c.4743T>C on transcript NM_001365480.1 (MANE Select); coding-DNA position 4743, T replaced by C.
Protein change: p.His1581=; no amino-acid change (histidine 1581 retained).
Molecular consequence: synonymous variant.
Genome position (GRCh38, 1-based): chr2:55,301,207, A>G on the plus strand (T>C on the coding strand, the complement: CCDC88A is on the minus strand). VCF-style: chr2-55301207-A-G. GRCh37 (hg19) VCF-style: chr2-55528343-A-G.
Other names: c.4740T>C, p.His1580= (NM_001135597.2, NM_001254943.2); c.4659T>C, p.His1553= (NM_018084.5).
Identifiers: ClinVar variation 2046529 (VCV002046529.4), dbSNP rs1449436744, ClinGen allele CA426164392.